The following is an entry in ClinVar:

NC_000019.9:g.(?_1206903)_(1223181_?)dup

Genes: STK11 (serine/threonine kinase 11; plus strand), LOC110006317 (serine/threonine kinase 11 intron 1 Alu-mediated recombination region; plus strand), LOC110006318 (serine/threonine kinase 11 intron 3 Alu-mediated recombination region; plus strand), LOC121627843 (Sharpr-MPRA regulatory region 9448; plus strand), LOC125371447 (Sharpr-MPRA regulatory region 13808; plus strand) and 4 more. Cytogenetic location: 19p13.3.
Variant type: Duplication.
Identifiers: ClinVar variation 643158 (VCV000643158.8).

ClinVar aggregate classification (germline): Uncertain significance (1 of 4 stars; one submission).

Conditions:
Peutz-Jeghers syndrome (PJS). Also called: POLYPOSIS, HAMARTOMATOUS INTESTINAL; POLYPS-AND-SPOTS SYNDROME; Peutz-Jeghers polyposis; Periorificial lentiginosis syndrome. Identifiers: Orphanet 2869, MedGen C0031269, MeSH D010580, MONDO:0008280, OMIM 175200.

Submission:

Labcorp Genetics (formerly Invitae), Labcorp
Classification: Uncertain significance for Peutz-Jeghers syndrome. Last evaluated: 2018-10-19. Review status: criteria provided, single submitter. Criteria: Invitae Variant Classification Sherloc (09022015). Collection method: clinical testing. Allele origin: germline.
Comment: This variant results in a copy number gain of the genomic region encompassing exons 1-8 of the STK11 gene. The 5' end of this event is unknown as it extends beyond the assayed region for this gene and therefore may encompass additional genes. The 3' boundary is likely confined to intron 8 of the STK11 gene. As the precise location of this event is unknown, it may be in tandem or it may be located elsewhere in the genome. This variant has not been reported in the literature in individuals with STK11-related disease. In summary, the available evidence is currently insufficient to determine the role of this variant in disease. Therefore, it has been classified as a Variant of Uncertain Significance.